The following is an entry in ClinVar:

NM_007294.4(BRCA1):c.3841_3842del (p.Gln1281fs)

Genes: BRCA1 (BRCA1 DNA repair associated; minus strand), LOC126862571 (BRD4-independent group 4 enhancer GRCh37_chr17:41243136-41244335; plus strand). Cytogenetic location: 17q21.31.
Variant type: Deletion.
Coding change: c.3841_3842del on transcript NM_007294.4 (MANE Select); coding-DNA positions 3841 to 3842, 2 bases deleted (CA; older notation c.3841_3842delCA).
Protein change: p.Gln1281fs; shifts the reading frame from glutamine 1281.
Molecular consequence: frameshift variant. On other transcripts: intron variant (135).
Genome position (GRCh38, 1-based): chr17:43,091,689-43,091,690, TG deleted on the plus strand (CA on the coding strand, the reverse complement: BRCA1 is on the minus strand). VCF-style (leftmost placement, unchanged base first): chr17-43091688-CTG-C. GRCh37 (hg19) VCF-style: chr17-41243705-CTG-C.
Other names: 3960delCA; c.3628_3629del, p.Gln1210fs (NM_001407571.1, NM_001407853.1, NM_001407894.1 and 9 more transcripts); c.3841_3842del, p.Gln1281fs (NM_001407581.1, NM_001407582.1, NM_001407583.1 and 30 more transcripts); c.3838_3839del, p.Gln1280fs (NM_001407610.1, NM_001407611.1, NM_001407612.1 and 22 more transcripts); c.3832_3833del, p.Gln1278fs (NM_001407646.1, NM_001407647.1); c.3718_3719del, p.Gln1240fs (NM_001407648.1, NM_001407664.1, NM_001407665.1 and 19 more transcripts); c.3715_3716del, p.Gln1239fs (NM_001407649.1, NM_001407670.1, NM_001407671.1 and 11 more transcripts); c.3763_3764del, p.Gln1255fs (NM_001407653.1, NM_001407654.1, NM_001407655.1 and 4 more transcripts); and 42 more; short protein forms Q1281fs, Q1234fs, Q1193fs, Q1210fs, Q1233fs, Q1240fs, Q1254fs, Q1153fs.
Identifiers: ClinVar variation 55023 (VCV000055023.3), dbSNP rs80357584, ClinGen allele CA002472.

ClinVar aggregate classification (germline): Pathogenic. Review status: reviewed by expert panel (3 of 4 stars). 2 submissions from 2 submitters: Pathogenic (1). 1 of the submissions does not count toward it. Last evaluated 2016-09-08.

Conditions:
Breast-ovarian cancer, familial, susceptibility to, 1 (BROVCA1). Also called: BRCA1 Hereditary Breast and Ovarian Cancer; OVARIAN CANCER, SUSCEPTIBILITY TO. Identifiers: Orphanet 145, MedGen C2676676, MONDO:0011450, OMIM 604370. Disease mechanism: loss of function.

Submissions (2):

Evidence-based Network for the Interpretation of Germline Mutant Alleles (ENIGMA)
Classification: Pathogenic for Breast-ovarian cancer, familial, susceptibility to, 1. Last evaluated: 2016-09-08. Review status: reviewed by expert panel. Criteria: ENIGMA BRCA1/2 Classification Criteria (2015). Collection method: curation. Allele origin: germline.
Comment: Variant allele predicted to encode a truncated non-functional protein.

Breast Cancer Information Core (BIC) (BRCA1)
Classification: Pathogenic for Breast-ovarian cancer, familial 1. Last evaluated: 1997-09-15. Review status: no assertion criteria provided. Collection method: clinical testing. Allele origin: germline. Affected: yes. Observed: 2 variant alleles. Not counted in ClinVar's aggregate classification.